The following is an entry in ClinVar:

ClinVar aggregate classification (germline): Likely benign. Review status: criteria provided, multiple submitters, no conflicts (2 of 4 stars). 9 submissions from 9 submitters: Likely benign (5). 4 of the submissions do not count toward it. Last evaluated 2026-07-01.

Conditions:
ASXL1-related disorder. Also called: ASXL1-related disorders; ASXL1-related condition.

Allele frequency attached by ClinVar (database versions not stated): gnomAD 0.00070 and 0.00073; TOPMed 0.00070; gnomAD exomes 0.00118 and 0.00083; ExAC 0.00100; ESP Exome Variant Server 0.00108; 1000 Genomes Project 0.00020; 1000 Genomes Project 30x 0.00031.
gnomAD v4.1: 1,809 of 1,614,076 alleles (0.11%); highest among the groups gnomAD compares: Non-Finnish European, 0.14%; 1 homozygote.

Submissions (9):

CeGaT Center for Human Genetics Tuebingen
Classification: Likely benign. Last evaluated: 2026-07-01. Review status: criteria provided, single submitter. Criteria: CeGaT Center For Human Genetics Tuebingen Variant Classification Criteria Version 2. Collection method: clinical testing. Allele origin: germline. Affected: yes. Observed: 10 variant alleles.
Comment: ASXL1: BP4, BS1

Labcorp Genetics (formerly Invitae), Labcorp
Classification: Likely benign. Last evaluated: 2025-12-16. Review status: criteria provided, single submitter. Criteria: Invitae Variant Classification Sherloc (09022015). Collection method: clinical testing. Allele origin: germline.

Laboratory of Genetics, Children's Clinical University Hospital Latvia
Classification: Likely benign. Last evaluated: 2025-02-16. Review status: criteria provided, single submitter. Criteria: ACMG Guidelines, 2015. Collection method: clinical testing. Allele origin: germline. Affected: yes.

Blueprint Genetics
Classification: Likely benign. Last evaluated: 2024-11-27. Review status: criteria provided, single submitter. Criteria: ACMG Guidelines, 2015. Collection method: clinical testing. Allele origin: germline.

GeneDx
Classification: Likely benign. Last evaluated: 2020-06-16. Review status: criteria provided, single submitter. Criteria: GeneDx Variant Classification Process June 2021. Collection method: clinical testing. Allele origin: germline. Affected: yes.
Comment: This variant is associated with the following publications: (PMID: 24728327, 19609284)

PreventionGenetics, part of Exact Sciences
Classification: Likely benign for ASXL1-related condition. Last evaluated: 2020-09-17. Review status: no assertion criteria provided. Collection method: clinical testing. Allele origin: germline. Not counted in ClinVar's aggregate classification.
Comment: This variant is classified as likely benign based on ACMG/AMP sequence variant interpretation guidelines (Richards et al. 2015 PMID: 25741868, with internal and published modifications).

ITMI
No classification provided. Condition: AllHighlyPenetrant. Last evaluated: 2013-09-19. Review status: no classification provided. Collection method: reference population. Allele origin: germline. Not counted in ClinVar's aggregate classification.
Comment: Please see associated publication for description of ethnicities

Clinical Genetics DNA and cytogenetics Diagnostics Lab, Erasmus MC, Erasmus Medical Center
Classification: Likely benign. Review status: no assertion criteria provided. Collection method: clinical testing. Allele origin: germline. Affected: yes. Study: VKGL Data-share Consensus. Not counted in ClinVar's aggregate classification.

Laboratory of Diagnostic Genome Analysis, Leiden University Medical Center (LUMC)
Classification: Likely benign. Review status: no assertion criteria provided. Collection method: clinical testing. Allele origin: germline. Affected: yes. Study: VKGL Data-share Consensus. Not counted in ClinVar's aggregate classification.

Literature cited by the submitters: PubMed 24728327 (cited by ITMI).

NM_015338.6(ASXL1):c.3935C>T (p.Ala1312Val)

Gene: ASXL1 (ASXL transcriptional regulator 1; plus strand). Cytogenetic location: 20q11.21.
Variant type: single nucleotide variant.
Coding change: c.3935C>T on transcript NM_015338.6 (MANE Select); coding-DNA position 3935, C replaced by T.
Protein change: p.Ala1312Val; replaces alanine 1312 with valine.
Molecular consequence: missense variant.
Genome position (GRCh38, 1-based): chr20:32,436,647, C>T. VCF-style: chr20-32436647-C-T. GRCh37 (hg19) VCF-style: chr20-31024450-C-T.
Other names: c.3752C>T, p.Ala1251Val (NM_001363734.1); short protein forms A1312V, A1251V.
Identifiers: ClinVar variation 133588 (VCV000133588.43), dbSNP rs148144203, ClinGen allele CA157017.